The following is an entry in ClinVar:

GRCh38/hg38 7q36.2(chr7:153540271-154126004)x3

Genes: DPP6 (dipeptidyl peptidase like 6; plus strand), LOC101929998 (uncharacterized LOC101929998; minus strand), LOC126860236 (BRD4-independent group 4 enhancer GRCh37_chr7:153555187-153556386; plus strand). Cytogenetic location: 7q36.2.
Variant type: copy number gain.
Change: copy number 3 (three copies instead of two) of chr7:153,540,271-154,126,004 (585.7 kb, GRCh38 coordinates, 1-based), cytogenetic band 7q36.2.
Identifiers: ClinVar variation 146456 (VCV000146456.2).

ClinVar aggregate classification (germline): Likely benign (0 of 4 stars; one submission).

Submission:

ISCA site 1
Classification: Likely benign. Last evaluated: 2011-05-06. Review status: no assertion criteria provided. Collection method: clinical testing. Allele origin: maternal. Affected: yes. Observed: 1 variant allele.
Comment: Copy number variation identified through the course of routine clinical cytogenomic testing in postnatal populations. Clinical assertions have been curated as described in Kaminsky et al. 2011.

Copy number variation identified through the course of routine clinical cytogenomic testing in postnatal populations. Clinical assertions have been curated as described in Kaminsky, et al. 2011 (PubMed 21844811). For additional ClinGen data, please see nstd37.